The following is an entry in ClinVar:

ClinVar aggregate classification (germline): Pathogenic/Likely pathogenic. Review status: criteria provided, multiple submitters, no conflicts (2 of 4 stars). 11 submissions from 11 submitters: Pathogenic (7); Likely pathogenic (2). 2 of the submissions do not count toward it. Last evaluated 2025-12-15.

Conditions:
Hereditary nonpolyposis colorectal neoplasms. Identifiers: MedGen C0009405, MeSH D003123.
Uterine corpus cancer. Identifiers: MedGen CN277893, MONDO:0006003.
Hereditary cancer-predisposing syndrome. Also called: Tumor predisposition; Hereditary neoplastic syndrome; Hereditary Cancer Syndrome; Neoplastic Syndromes, Hereditary. Identifiers: Orphanet 140162, MedGen C0027672, MeSH D009386, MONDO:0015356.
Lynch syndrome. Identifiers: Orphanet 144, MedGen C4552100, MONDO:0005835. Disease mechanism: loss of function.
Endometrial carcinoma. Also called: Endometrial carcinoma, somatic. Identifiers: MedGen C0476089, MONDO:0002447, OMIM 608089, HP:0012114.
Lynch syndrome 5 (LYNCH5). Also called: Hereditary non-polyposis colorectal cancer, type 5; Colorectal cancer, hereditary nonpolyposis, type 5. Identifiers: Orphanet 144, MedGen C1833477, MONDO:0013710, OMIM 614350. Disease mechanism: loss of function.

Submissions (11):

Labcorp Genetics (formerly Invitae), Labcorp
Classification: Pathogenic for Hereditary nonpolyposis colorectal neoplasms. Last evaluated: 2025-12-15. Review status: criteria provided, single submitter. Criteria: Invitae Variant Classification Sherloc (09022015). Collection method: clinical testing. Allele origin: germline.
Comment: This sequence change creates a premature translational stop signal (p.Arg248Thrfs*8) in the MSH6 gene. It is expected to result in an absent or disrupted protein product. Loss-of-function variants in MSH6 are known to be pathogenic (PMID: 18269114, 24362816). This variant is not present in population databases (gnomAD no frequency). This variant has not been reported in the literature in individuals affected with MSH6-related conditions. Invitae Evidence Modeling of clinical and family history, age, sex, and reported ancestry of multiple individuals with this MSH6 variant has been performed. This variant is expected to be pathogenic with a positive predictive value of at least 99%. This is a validated machine learning model that incorporates the clinical features of 1,627,235 individuals referred to our laboratory for MSH6 testing. ClinVar contains an entry for this variant (Variation ID: 410494). For these reasons, this variant has been classified as Pathogenic.

Ambry Genetics
Classification: Pathogenic for Hereditary cancer-predisposing syndrome. Last evaluated: 2025-09-04. Review status: criteria provided, single submitter. Criteria: Ambry Variant Classification Scheme 2023. Collection method: clinical testing. Allele origin: germline.
Comment: The c.741dupA pathogenic mutation, located in coding exon 4 of the MSH6 gene, results from a duplication of A at nucleotide position 741, causing a translational frameshift with a predicted alternate stop codon (p.R248Tfs*8). This variant is considered to be rare based on population cohorts in the Genome Aggregation Database (gnomAD). This alteration is expected to result in loss of function by premature protein truncation or nonsense-mediated mRNA decay. As such, this alteration is interpreted as a disease-causing mutation.

Color Diagnostics, LLC DBA Color Health
Classification: Pathogenic for Hereditary cancer-predisposing syndrome. Last evaluated: 2024-12-10. Review status: criteria provided, single submitter. Criteria: ACMG Guidelines, 2015. Collection method: clinical testing. Allele origin: germline.
Comment: This variant inserts 1 nucleotide in exon 4 of the MSH6 gene, creating a frameshift and premature translation stop signal. This variant is expected to result in an absent or non-functional protein product. To our knowledge, this variant has not been reported in individuals affected with MSH6-related disorders in the literature. This variant has not been identified in the general population by the Genome Aggregation Database (gnomAD). Loss of MSH6 function is a known mechanism of disease. Based on the available evidence, this variant is classified as Pathogenic.

All of Us Research Program, National Institutes of Health
Classification: Pathogenic for Lynch syndrome. Last evaluated: 2024-08-31. Review status: criteria provided, single submitter. Criteria: ACMG Guidelines, 2015. Collection method: clinical testing. Allele origin: germline. Inheritance: Autosomal dominant inheritance. Observed: 1 variant allele, 1 heterozygote.
Comment: The c.741dup variant in the MSH6 gene is located on the exon 4 and is predicted to cause reading frame shift that introduces a premature translation termination codon (p.Arg248Thrfs*8), resulting in an absent or disrupted protein product. The variant has been reported in an individual with Lynch syndrome (PMID: 37153042). An alternative frameshift variant located in the same position (p.Arg248Glufs*31) has been reported in individuals with Lynch syndrome-associated cancer (PMID: 28514183). Loss-of-function variants in MSH6 gene are known to be pathogenic (PMID: 30376427, 18269114, 29345684). Loss-of-function variants located upstream and downstream in the same exon (p.Arg240*, p.Arg298*) have been interpreted as pathogenic by the expert panel (ClinVar ID: 89559, 89574). The variant is reported in ClinVar (ID: 410494). The variant is absent in the general population database (gnomAD). Therefore, the c.741dup (p.Arg248Thrfs*8) variant in the MSH6 gene has been classified as pathogenic.

This study involves interpretation of variants in research participants for the purpose of population health screening. Participant phenotype was not available at the time of variant classification. Additional details can be found in publication PMID: 35346344, PMCID: PMC8962531

Revvity Omics, Revvity
Classification: Likely pathogenic. Last evaluated: 2023-11-22. Review status: criteria provided, single submitter. Criteria: ACMG Guidelines, 2015. Collection method: clinical testing. Allele origin: germline.

Baylor Genetics
Classification: Likely pathogenic for Endometrial carcinoma. Last evaluated: 2023-05-26. Review status: criteria provided, single submitter. Criteria: ACMG Guidelines, 2015. Collection method: clinical testing. Allele origin: unknown.

Myriad Genetics, Inc.
Classification: Pathogenic for Lynch syndrome 5. Last evaluated: 2023-03-27. Review status: criteria provided, single submitter. Criteria: Myriad Autosomal Dominant, Autosomal Recessive and X-Linked Classification Criteria (2023). Collection method: clinical testing. Allele origin: unknown.
Comment: This variant is considered pathogenic. This variant creates a frameshift predicted to result in premature protein truncation.

CeGaT Center for Human Genetics Tuebingen
Classification: Pathogenic. Last evaluated: 2022-11-01. Review status: criteria provided, single submitter. Criteria: CeGaT Center For Human Genetics Tuebingen Variant Classification Criteria Version 2. Collection method: clinical testing. Allele origin: germline. Affected: yes. Observed: 2 variant alleles.

Quest Diagnostics Nichols Institute San Juan Capistrano
Classification: Pathogenic. Last evaluated: 2017-07-11. Review status: criteria provided, single submitter. Criteria: Quest Diagnostics criteria. Collection method: clinical testing. Allele origin: germline.

CZECANCA consortium
Classification: Pathogenic for Uterine corpus cancer. Last evaluated: 2023-02-21. Review status: no assertion criteria provided. Collection method: clinical testing. Allele origin: germline. Affected: yes. Observed: 1 variant allele. Not counted in ClinVar's aggregate classification.

Counsyl
Classification: Likely pathogenic for Lynch syndrome 5. Last evaluated: 2017-02-16. Review status: no assertion criteria provided. Collection method: clinical testing. Allele origin: unknown. Not counted in ClinVar's aggregate classification.

Literature cited by the submitters: PubMed 18269114 (cited by Labcorp Genetics (formerly Invitae), Labcorp and All of Us Research Program, National Institutes of Health); PubMed 24362816 (cited by Labcorp Genetics (formerly Invitae), Labcorp); PubMed 28514183 (cited by All of Us Research Program, National Institutes of Health); PubMed 29345684 (cited by All of Us Research Program, National Institutes of Health); PubMed 30376427 (cited by All of Us Research Program, National Institutes of Health); PubMed 37153042 (cited by All of Us Research Program, National Institutes of Health).

NM_000179.3(MSH6):c.741dup (p.Arg248fs)

Gene: MSH6 (mutS homolog 6; plus strand). Cytogenetic location: 2p16.3.
Variant type: Duplication.
Coding change: c.741dup on transcript NM_000179.3 (MANE Select); coding-DNA position 741, one base duplicated (A; older notation c.741dupA).
Protein change: p.Arg248fs; shifts the reading frame from arginine 248.
Molecular consequence: frameshift variant. On other transcripts: 5 prime UTR variant (2).
Genome position (GRCh38, 1-based): chr2:47,798,724, A duplicated; the last of 7 consecutive A bases (chr2:47,798,718-47,798,724); duplicating any one gives the same sequence. VCF-style (leftmost placement, unchanged base first): chr2-47798717-T-TA. GRCh37 (hg19) VCF-style: chr2-48025856-T-TA.
Other names: c.741dupA (NM_000179.2); c.351dup, p.Arg118fs (NM_001281492.2); c.-166dup (NM_001281493.2, NM_001281494.2); short protein forms R118fs, R248fs.
Identifiers: ClinVar variation 410494 (VCV000410494.52), dbSNP rs267608041, ClinGen allele CA16610928.
Genomic context (GRCh38, chr2:47,798,717, plus strand): 5'-TTGAGAGTGAAGAGGAAGTACAGCCTAAGACACAAGGATCTAGGCGAAGTAGCCGCCAAA[T>TA]AAAAAAACGAAGGGTCATATCAGATTCTGAGAGTGACATTGGTGGCTCTGATGTGGAATT-3'